The following is an entry in ClinVar:

NM_000064.4(C3):c.242A>G (p.Asn81Ser)

Gene: C3 (complement C3; minus strand). Cytogenetic location: 19p13.3.
Variant type: single nucleotide variant.
Coding change: c.242A>G on transcript NM_000064.4 (MANE Select); coding-DNA position 242, A replaced by G.
Protein change: p.Asn81Ser; replaces asparagine 81 with serine.
Molecular consequence: missense variant.
Genome position (GRCh38, 1-based): chr19:6,719,236, T>C on the plus strand (A>G on the coding strand, the complement: C3 is on the minus strand). VCF-style: chr19-6719236-T-C. GRCh37 (hg19) VCF-style: chr19-6719247-T-C.
Other names: short protein forms N81S.
Identifiers: ClinVar variation 2865230 (VCV002865230.3), dbSNP rs2512272046, ClinGen allele CA403645794.

ClinVar aggregate classification (germline): Uncertain significance (1 of 4 stars; one submission).

Submission:

Labcorp Genetics (formerly Invitae), Labcorp
Classification: Uncertain significance. Last evaluated: 2023-05-22. Review status: criteria provided, single submitter. Criteria: Invitae Variant Classification Sherloc (09022015). Collection method: clinical testing. Allele origin: germline.
Comment: This variant is not present in population databases (gnomAD no frequency). In summary, the available evidence is currently insufficient to determine the role of this variant in disease. Therefore, it has been classified as a Variant of Uncertain Significance. Advanced modeling of protein sequence and biophysical properties (such as structural, functional, and spatial information, amino acid conservation, physicochemical variation, residue mobility, and thermodynamic stability) performed at Invitae indicates that this missense variant is not expected to disrupt C3 protein function. This variant has not been reported in the literature in individuals affected with C3-related conditions. This sequence change replaces asparagine, which is neutral and polar, with serine, which is neutral and polar, at codon 81 of the C3 protein (p.Asn81Ser).